The following is an entry in ClinVar:

ClinVar aggregate classification (germline): Uncertain significance. Review status: criteria provided, multiple submitters, no conflicts (2 of 4 stars). 3 submissions from 3 submitters: Uncertain significance (3). Last evaluated 2025-07-30.

Conditions:
Familial thoracic aortic aneurysm and aortic dissection (TAAD). Also called: Thoracic aortic aneurysms and dissections. Identifiers: Orphanet 91387, MedGen C4707243, MONDO:0019625.
Ehlers-Danlos syndrome, type 4 (EDSVASC). Also called: Ehlers-Danlos Syndrome Type IV; Ehlers-Danlos syndrome vascular type; Ehlers Danlos syndrome, ecchymotic type; Ehlers Danlos syndrome, arterial type; Ehlers Danlos syndrome, Sack-Barabas type. Identifiers: Orphanet 286, MedGen C0268338, MONDO:0017314, OMIM 130050.

Allele frequency attached by ClinVar (database versions not stated): gnomAD exomes below 0.00001.
gnomAD v4.1: 1 of 1,613,654 alleles (0.000062%); highest among the groups gnomAD compares: African/African-American, 0.0013%; no homozygotes.

Submissions (3):

Labcorp Genetics (formerly Invitae), Labcorp
Classification: Uncertain significance for Ehlers-Danlos syndrome, type 4. Last evaluated: 2025-07-30. Review status: criteria provided, single submitter. Criteria: Invitae Variant Classification Sherloc (09022015). Collection method: clinical testing. Allele origin: germline.
Comment: This sequence change falls in intron 43 of the COL3A1 gene. It does not directly change the encoded amino acid sequence of the COL3A1 protein. It affects a nucleotide within the consensus splice site. This variant is not present in population databases (gnomAD no frequency). This variant has not been reported in the literature in individuals affected with COL3A1-related conditions. ClinVar contains an entry for this variant (Variation ID: 2775142). Variants that disrupt the consensus splice site are a relatively common cause of aberrant splicing (PMID: 17576681, 9536098). Algorithms developed to predict the effect of sequence changes on RNA splicing suggest that this variant is not likely to affect RNA splicing. In summary, the available evidence is currently insufficient to determine the role of this variant in disease. Therefore, it has been classified as a Variant of Uncertain Significance.

CeGaT Center for Human Genetics Tuebingen
Classification: Uncertain significance. Last evaluated: 2024-08-01. Review status: criteria provided, single submitter. Criteria: CeGaT Center For Human Genetics Tuebingen Variant Classification Criteria Version 2. Collection method: clinical testing. Allele origin: germline. Affected: yes. Observed: 1 variant allele.
Comment: COL3A1: PM2, BP4

Color Diagnostics, LLC DBA Color Health
Classification: Uncertain significance for Familial thoracic aortic aneurysm and aortic dissection. Last evaluated: 2022-08-22. Review status: criteria provided, single submitter. Criteria: ACMG Guidelines, 2015. Collection method: clinical testing. Allele origin: germline.
Comment: This variant causes a G to A nucleotide substitution at the +3 position of intron 43 of the COL3A1 gene. To our knowledge, functional studies have not been reported for this variant. This variant has not been reported in individuals affected with cardiovascular disorders in the literature. This variant has not been identified in the general population by the Genome Aggregation Database (gnomAD). The available evidence is insufficient to determine the role of this variant in disease conclusively. Therefore, this variant is classified as a Variant of Uncertain Significance.

Literature cited by the submitters: PubMed 17576681 (cited by Labcorp Genetics (formerly Invitae), Labcorp); PubMed 9536098 (cited by Labcorp Genetics (formerly Invitae), Labcorp).

NM_000090.4(COL3A1):c.3201+3G>A

Gene: COL3A1 (collagen type III alpha 1 chain; plus strand). Cytogenetic location: 2q32.2.
Variant type: single nucleotide variant.
Coding change: c.3201+3G>A on transcript NM_000090.4 (MANE Select); 3 bases into the intron after coding-DNA position 3201, G replaced by A.
Molecular consequence: intron variant.
Genome position (GRCh38, 1-based): chr2:189,006,455, G>A. VCF-style: chr2-189006455-G-A. GRCh37 (hg19) VCF-style: chr2-189871181-G-A.
Identifiers: ClinVar variation 2775142 (VCV002775142.20), dbSNP rs2469158286, ClinGen allele CA2662310534.